The following is an entry in ClinVar:

ClinVar aggregate classification (germline): Uncertain significance (1 of 4 stars; one submission).

Submission:

CeGaT Center for Human Genetics Tuebingen
Classification: Uncertain significance. Last evaluated: 2026-07-01. Review status: criteria provided, single submitter. Criteria: CeGaT Center For Human Genetics Tuebingen Variant Classification Criteria Version 2. Collection method: clinical testing. Allele origin: germline. Affected: yes. Observed: 1 variant allele.
Comment: RELN: PM2, BP4

NM_005045.4(RELN):c.474-6T>C

Gene: RELN (reelin; minus strand). Cytogenetic location: 7q22.1.
Variant type: single nucleotide variant.
Coding change: c.474-6T>C on transcript NM_005045.4 (MANE Select); 6 bases into the intron before coding-DNA position 474, T replaced by C.
Molecular consequence: intron variant.
Genome position (GRCh38, 1-based): chr7:103,776,633, A>G on the plus strand (T>C on the coding strand, the complement: RELN is on the minus strand). VCF-style: chr7-103776633-A-G. GRCh37 (hg19) VCF-style: chr7-103417080-A-G.
Other names: c.474-6T>C (NM_173054.3).
Identifiers: ClinVar variation 5040266 (VCV005040266.1).
Genomic context (GRCh38, chr7:103,776,633, plus strand): 5'-CTGCTGGGCTAAAGCATCTTTGAAAATAACCTGGCCCCGGTGTGTTGCTGTAGCCCTGGA[A>G]ACAAATAGGAAAAGGTTAATTCAACTCTTGTAATATGTTTGGTGAAAATGTATGTTTAAA-3'